The following is an entry in ClinVar:

ClinVar aggregate classification (germline): Pathogenic/Likely pathogenic. Review status: criteria provided, multiple submitters, no conflicts (2 of 4 stars). 4 submissions from 4 submitters: Pathogenic (3); Likely pathogenic (1). Last evaluated 2026-09-17.

Conditions:
Metachromatic leukodystrophy (MLD). Also called: CEREBROSIDE SULFATASE DEFICIENCY; ARSA DEFICIENCY; METACHROMATIC LEUKOENCEPHALOPATHY; SULFATIDE LIPIDOSIS; Cerebral sclerosis diffuse metachromatic form; Arylsulfatase A Deficiency. Identifiers: Orphanet 512, MedGen C0023522, MONDO:0018868, OMIM 250100.

Submissions (4):

Laboratory of Experimental Gene Therapy of Hereditary Metabolic Diseases, Research Centre for Medical Genetics
Classification: Pathogenic for Metachromatic leukodystrophy. Last evaluated: 2026-09-17. Review status: criteria provided, single submitter. Criteria: ARSA MLD Assertion Criteria V2 2026 09 18. Collection method: clinical testing. Allele origin: germline. Inheritance: Autosomal recessive inheritance. Affected: yes. Observed: 2 variant alleles, 2 compound heterozygotes.
Comment: The previously reported Pathogenic classification was reviewed and retained for the accompanying study. External ClinVar record reviewed: VCV004850932.2. Observations from the present referral series were not used to establish pathogenicity.

Myriad Genetics, Inc.
Classification: Pathogenic for Metachromatic leukodystrophy. Last evaluated: 2026-07-18. Review status: criteria provided, single submitter. Criteria: Myriad Autosomal Dominant, Autosomal Recessive and X-Linked Classification Criteria (2023). Collection method: clinical testing. Allele origin: unknown.
Comment: NM_000487.5(ARSA):c.585G>A(W195*) is expected to be pathogenic in the context of metachromatic leukodystrophy. This variant is predicted to lead to an abnormal or absent protein product due to the creation of a premature termination codon in ARSA, a gene where loss-of-function variants are known to be pathogenic. Please note: this variant was assessed in the context of healthy population screening.

Dasa
Classification: Pathogenic. Last evaluated: 2026-02-25. Review status: criteria provided, single submitter. Criteria: DASA Assertion Criteria. Collection method: clinical testing. Allele origin: germline.
Comment: NM_000487.6(ARSA):c.585G>A (p.Trp195*) introduces a premature termination codon predicted to result in loss of normal protein function. Loss-of-function is an established mechanism of disease for this gene. This variant has been reported in an affected individual with related phenotype in a genotype context consistent with recessive disease (PMID: 37480112). The variant is present at low frequency in population datasets. Based on the available data, this variant is classified as pathogenic.

Kariminejad - Najmabadi Pathology & Genetics Center
Classification: Likely pathogenic for Metachromatic leukodystrophy. Review status: criteria provided, single submitter. Criteria: ACMG Guidelines, 2015. Collection method: clinical testing. Allele origin: germline. Affected: no.

Literature cited by the submitters: PubMed 37480112 (cited by Dasa).

NM_000487.6(ARSA):c.585G>A (p.Trp195Ter)

Gene: ARSA (arylsulfatase A; minus strand). Cytogenetic location: 22q13.33.
Variant type: single nucleotide variant.
Coding change: c.585G>A on transcript NM_000487.6 (MANE Select); coding-DNA position 585, G replaced by A.
Protein change: p.Trp195Ter; replaces tryptophan 195 with a stop codon.
Molecular consequence: nonsense.
Genome position (GRCh38, 1-based): chr22:50,626,933, C>T on the plus strand (G>A on the coding strand, the complement: ARSA is on the minus strand). VCF-style: chr22-50626933-C-T. GRCh37 (hg19) VCF-style: chr22-51065361-C-T.
Other names: NP_000478.3:p.(Trp195Ter); c.585G>A, p.Trp195Ter (NM_001085425.3, NM_001085426.3, NM_001085427.3); c.327G>A, p.Trp109Ter (NM_001085428.3, NM_001362782.2); short protein forms W109*, W195*.
Identifiers: ClinVar variation 4850932 (VCV004850932.5).